The following is an entry in ClinVar:

ClinVar aggregate classification (germline): Benign/Likely benign. Review status: criteria provided, multiple submitters, no conflicts (2 of 4 stars). 17 submissions from 11 submitters: Benign (5); Likely benign (9). 3 of the submissions do not count toward it. Last evaluated 2026-08-01.

Conditions:
Geleophysic dysplasia. Identifiers: Orphanet 2623, MedGen C3489726, MONDO:0000127.
Familial thoracic aortic aneurysm and aortic dissection (TAAD). Also called: Thoracic aortic aneurysms and dissections. Identifiers: Orphanet 91387, MedGen C4707243, MONDO:0019625.
Stiff skin syndrome (SSKS). Identifiers: Orphanet 2833, MedGen C1861456, MONDO:0008492, OMIM 184900.
Ectopia lentis 1, isolated, autosomal dominant (ECTOL1). Identifiers: Orphanet 1885, MedGen C3541518, MONDO:0007514, OMIM 129600.
Marfan syndrome (MFS). Also called: Marfan syndrome, classic; Marfan syndrome type 1; Marfan's syndrome; MARFAN SYNDROME, TYPE I; FBN1-Related Marfan Syndrome. Identifiers: Orphanet 284963, Orphanet 558, MedGen C0024796, MONDO:0007947, OMIM 154700.
Acromicric dysplasia (ACMICD). Also called: Acromicric skeletal dysplasia. Identifiers: Orphanet 969, MedGen C0265287, MONDO:0007055, OMIM 102370.
FBN1-related disorder. Also called: FBN1-related disorders.
Weill-Marchesani syndrome. Also called: WM Syndrome; Mesodermal dysmorphodystrophy congenital. Identifiers: Orphanet 3449, MedGen C0265313, MONDO:0018096.

Allele frequency attached by ClinVar (database versions not stated): TOPMed 0.00011; ESP Exome Variant Server 0.00015; 1000 Genomes Project 30x 0.00031; 1000 Genomes Project 0.00040; gnomAD exomes 0.00074 and 0.00175; gnomAD 0.00137 and 0.00148; ExAC 0.00146.
gnomAD v4.1: 1,274 of 1,614,010 alleles (0.079%); highest among the groups gnomAD compares: Non-Finnish European, 0.014%; 6 homozygotes.

Submissions (17):

CeGaT Center for Human Genetics Tuebingen
Classification: Likely benign. Last evaluated: 2026-08-01. Review status: criteria provided, single submitter. Criteria: CeGaT Center For Human Genetics Tuebingen Variant Classification Criteria Version 2. Collection method: clinical testing. Allele origin: germline. Affected: yes. Observed: 2 variant alleles.
Comment: FBN1: BP4, BP7

Labcorp Genetics (formerly Invitae), Labcorp
Classification: Benign for Marfan syndrome; Familial thoracic aortic aneurysm and aortic dissection. Last evaluated: 2026-02-04. Review status: criteria provided, single submitter. Criteria: Invitae Variant Classification Sherloc (09022015). Collection method: clinical testing. Allele origin: germline.

Blueprint Genetics
Classification: Likely benign. Last evaluated: 2024-11-21. Review status: criteria provided, single submitter. Criteria: ACMG Guidelines, 2015. Collection method: clinical testing. Allele origin: germline.

All of Us Research Program, National Institutes of Health
Classification: Benign for Marfan syndrome. Last evaluated: 2024-01-11. Review status: criteria provided, single submitter. Criteria: ACMG Guidelines, 2015. Collection method: clinical testing. Allele origin: germline. Inheritance: Autosomal dominant inheritance. Observed: 35 variant alleles, 35 heterozygotes.
Comment: This study involves interpretation of variants in research participants for the purpose of population health screening. Participant phenotype was not available at the time of variant classification. Additional details can be found in publication PMID: 35346344, PMCID: PMC8962531

Color Diagnostics, LLC DBA Color Health
Classification: Benign for Familial thoracic aortic aneurysm and aortic dissection. Last evaluated: 2018-03-08. Review status: criteria provided, single submitter. Criteria: ACMG Guidelines, 2015. Collection method: clinical testing. Allele origin: germline.

Illumina Laboratory Services, Illumina
Classification: Likely benign for Acromicric dysplasia. Last evaluated: 2017-04-28. Review status: criteria provided, single submitter. Criteria: ICSL Variant Classification Criteria 13 December 2019. Collection method: clinical testing. Allele origin: germline.
Comment: This variant was observed as part of a predisposition screen in an ostensibly healthy population. A literature search was performed for the gene, cDNA change, and amino acid change (where applicable). No publications were found based on this search. Allele frequency data from public databases allowed determination this variant is unlikely to cause disease. Therefore, this variant is classified as likely benign.

Illumina Laboratory Services, Illumina
Classification: Likely benign for Weill-Marchesani syndrome. Last evaluated: 2017-04-28. Review status: criteria provided, single submitter. Criteria: ICSL Variant Classification Criteria 13 December 2019. Collection method: clinical testing. Allele origin: germline.
Comment: the same text as in the submission from Illumina Laboratory Services, Illumina above.

Illumina Laboratory Services, Illumina
Classification: Likely benign for Familial thoracic aortic aneurysm and aortic dissection. Last evaluated: 2017-04-28. Review status: criteria provided, single submitter. Criteria: ICSL Variant Classification Criteria 13 December 2019. Collection method: clinical testing. Allele origin: germline.
Comment: the same text as in the submission from Illumina Laboratory Services, Illumina above.

Illumina Laboratory Services, Illumina
Classification: Likely benign for Geleophysic dysplasia. Last evaluated: 2017-04-28. Review status: criteria provided, single submitter. Criteria: ICSL Variant Classification Criteria 13 December 2019. Collection method: clinical testing. Allele origin: germline.
Comment: the same text as in the submission from Illumina Laboratory Services, Illumina above.

Illumina Laboratory Services, Illumina
Classification: Likely benign for Ectopia lentis 1, isolated, autosomal dominant. Last evaluated: 2017-04-28. Review status: criteria provided, single submitter. Criteria: ICSL Variant Classification Criteria 13 December 2019. Collection method: clinical testing. Allele origin: germline.
Comment: the same text as in the submission from Illumina Laboratory Services, Illumina above.

Illumina Laboratory Services, Illumina
Classification: Likely benign for Marfan syndrome. Last evaluated: 2017-04-28. Review status: criteria provided, single submitter. Criteria: ICSL Variant Classification Criteria 13 December 2019. Collection method: clinical testing. Allele origin: germline.
Comment: This variant was observed as part of a predisposition screen in an ostensibly healthy population. A literature search was performed for the gene, cDNA change, and amino acid change (where applicable). Publications were found based on this search. The evidence from the literature, in combination with allele frequency data from public databases where available, was sufficient to determine this variant is unlikely to cause disease. Therefore, this variant is classified as likely benign.

Illumina Laboratory Services, Illumina
Classification: Likely benign for Stiff skin syndrome. Last evaluated: 2017-04-28. Review status: criteria provided, single submitter. Criteria: ICSL Variant Classification Criteria 13 December 2019. Collection method: clinical testing. Allele origin: germline.
Comment: the same text as in the submission from Illumina Laboratory Services, Illumina above.

Ambry Genetics
Classification: Benign for Familial thoracic aortic aneurysm and aortic dissection. Last evaluated: 2016-08-08. Review status: criteria provided, single submitter. Criteria: Ambry Variant Classification Scheme 2023. Collection method: clinical testing. Allele origin: germline.

GeneDx
Classification: Benign. Last evaluated: 2015-03-03. Review status: criteria provided, single submitter. Criteria: GeneDx Variant Classification Process June 2021. Collection method: clinical testing. Allele origin: germline. Affected: yes.

PreventionGenetics, part of Exact Sciences
Classification: Benign for FBN1-related condition. Last evaluated: 2024-08-26. Review status: no assertion criteria provided. Collection method: clinical testing. Allele origin: germline. Not counted in ClinVar's aggregate classification.
Comment: This variant is classified as benign based on ACMG/AMP sequence variant interpretation guidelines (Richards et al. 2015 PMID: 25741868, with internal and published modifications).

Clinical Genetics DNA and cytogenetics Diagnostics Lab, Erasmus MC, Erasmus Medical Center
Classification: Likely benign. Review status: no assertion criteria provided. Collection method: clinical testing. Allele origin: germline. Affected: yes. Study: VKGL Data-share Consensus. Not counted in ClinVar's aggregate classification.

Genome Diagnostics Laboratory, Amsterdam University Medical Center
Classification: Benign. Review status: no assertion criteria provided. Collection method: clinical testing. Allele origin: germline. Affected: yes. Study: VKGL Data-share Consensus. Not counted in ClinVar's aggregate classification.

Literature cited by the submitters: PubMed 12402346 (cited by Illumina Laboratory Services, Illumina).

NM_000138.5(FBN1):c.3069G>A (p.Lys1023=)

Gene: FBN1 (fibrillin 1; minus strand). Cytogenetic location: 15q21.1.
Variant type: single nucleotide variant.
Coding change: c.3069G>A on transcript NM_000138.5 (MANE Select); coding-DNA position 3069, G replaced by A.
Protein change: p.Lys1023=; no amino-acid change (lysine 1023 retained).
Molecular consequence: synonymous variant.
Genome position (GRCh38, 1-based): chr15:48,489,864, C>T on the plus strand (G>A on the coding strand, the complement: FBN1 is on the minus strand). VCF-style: chr15-48489864-C-T. GRCh37 (hg19) VCF-style: chr15-48782061-C-T.
Identifiers: ClinVar variation 316380 (VCV000316380.47), dbSNP rs199789628, ClinGen allele CA049678.
Genomic context (GRCh38, chr15:48,489,864, plus strand): 5'-TTGTCTAAAAAGGGAGGCAATTGGCCATGGAAAACGTAACATTGTACCTTTGAAGAAAGG[C>T]TTTCCATTTGTAATTTCTTTTGTGGCAAATCCGGGTCCTCTCGGACACAGCTCCTCGTAC-3'
Protein context (NP_000129.3, residues 1013-1033): GFATKEITNG[Lys1023=]PFFKDINECK